The following is an entry in ClinVar:

NM_001348768.2(HECW2):c.695G>A (p.Arg232Gln)

Gene: HECW2 (HECT, C2 and WW domain containing E3 ubiquitin protein ligase 2; minus strand). Cytogenetic location: 2q32.3.
Variant type: single nucleotide variant.
Coding change: c.695G>A on transcript NM_001348768.2 (MANE Select); coding-DNA position 695, G replaced by A.
Protein change: p.Arg232Gln; replaces arginine 232 with glutamine.
Molecular consequence: missense variant. On other transcripts: 5 prime UTR variant (1).
Genome position (GRCh38, 1-based): chr2:196,325,026, C>T on the plus strand (G>A on the coding strand, the complement: HECW2 is on the minus strand). VCF-style: chr2-196325026-C-T. GRCh37 (hg19) VCF-style: chr2-197189750-C-T.
Other names: c.-273G>A (NM_001304840.3); c.695G>A, p.Arg232Gln (NM_020760.4); short protein forms R232Q.
Identifiers: ClinVar variation 2572960 (VCV002572960.1), dbSNP rs1312662530, ClinGen allele CA349969460.

ClinVar aggregate classification (germline): Uncertain significance (1 of 4 stars; one submission).

Allele frequency attached by ClinVar (database versions not stated): gnomAD exomes below 0.00001.
gnomAD v4.1: 3 of 1,605,888 alleles (0.00019%); highest among the groups gnomAD compares: Non-Finnish European, 0.00025%; no homozygotes.

Submission:

GeneDx
Classification: Uncertain significance. Last evaluated: 2023-01-12. Review status: criteria provided, single submitter. Criteria: GeneDx Variant Classification Process June 2021. Collection method: clinical testing. Allele origin: germline. Affected: yes.
Comment: Not observed at significant frequency in large population cohorts (gnomAD); In silico analysis supports that this missense variant does not alter protein structure/function; Has not been previously published as pathogenic or benign to our knowledge